The following is an entry in ClinVar:

ClinVar aggregate classification (germline): Pathogenic (1 of 4 stars; one submission).

Conditions:
Kabuki syndrome 1 (KABUK1). Also called: KMT2D-Related Kabuki Syndrome. Identifiers: Orphanet 2322, MedGen CN030661, MONDO:0007843, OMIM 147920.

Submission:

Victorian Clinical Genetics Services, Murdoch Childrens Research Institute
Classification: Pathogenic for Kabuki syndrome 1. Last evaluated: 2021-05-06. Review status: criteria provided, single submitter. Criteria: ACMG Guidelines, 2015. Collection method: clinical testing. Allele origin: germline. Inheritance: Autosomal dominant inheritance.
Comment: Based on the classification scheme VCGS_Germline_v1.3.4, this variant is classified as Pathogenic. Following criteria are met: 0102 - Loss of function is a known mechanism of disease in this gene and is associated with Kabuki syndrome 1 (MIM#147920). (I) 0107 - This gene is associated with autosomal dominant disease. (I) 0201 - Variant is predicted to cause nonsense-mediated decay (NMD) and loss of protein (premature termination codon is located at least 54 nucleotides upstream of the final exon-exon junction). (SP) 0251 - This variant is heterozygous. (I) 0301 - Variant is absent from gnomAD (both v2 and v3). (SP) 0701 - Other NMD-predicted variants comparable to the one identified in this case have very strong previous evidence for pathogenicity. Many of these variants have been reported as pathogenic, and observed in patients with Kabuki syndrome (Decipher, PMID: 20711175). (SP) 0807 - This variant has no previous evidence of pathogenicity. (I) 0905 - No published segregation evidence has been identified for this variant. (I) 1007 - No published functional evidence has been identified for this variant. (SP) Legend: (SP) - Supporting pathogenic, (I) - Information, (SB) - Supporting benign

Literature cited by the submitters: PubMed 20711175.

NM_003482.4(KMT2D):c.3190del (p.Val1064fs)

Gene: KMT2D (lysine methyltransferase 2D; minus strand). Cytogenetic location: 12q13.12.
Variant type: Deletion.
Coding change: c.3190del on transcript NM_003482.4 (MANE Select); coding-DNA position 3190, one base deleted (G; older notation c.3190delG).
Protein change: p.Val1064fs; shifts the reading frame from valine 1064.
Molecular consequence: frameshift variant.
Genome position (GRCh38, 1-based): chr12:49,050,398, C deleted on the plus strand (G on the coding strand, the reverse complement: KMT2D is on the minus strand); the first of 5 consecutive C bases (chr12:49,050,398-49,050,402); deleting any one gives the same sequence. VCF-style (leftmost placement, unchanged base first): chr12-49050397-AC-A. GRCh37 (hg19) VCF-style: chr12-49444180-AC-A.
Other names: c.3186delG, p.Val1064Serfs (NM_003482.3); c.3190delG (NM_003482.3); short protein forms V1064fs.
Identifiers: ClinVar variation 2500784 (VCV002500784.2), dbSNP rs2498446413, ClinGen allele CA1139771247.